The following is an entry in ClinVar:

NM_182916.3(TRNT1):c.1163dup (p.Ser389fs)

Gene: TRNT1 (tRNA nucleotidyl transferase 1; plus strand). Cytogenetic location: 3p26.2.
Variant type: Duplication.
Coding change: c.1163dup on transcript NM_182916.3 (MANE Select); coding-DNA position 1163, one base duplicated (T; older notation c.1163dupT).
Protein change: p.Ser389fs; shifts the reading frame from serine 389.
Molecular consequence: frameshift variant. On other transcripts: non-coding transcript variant (8).
Genome position (GRCh38, 1-based): chr3:3,148,012, T duplicated. VCF-style (leftmost placement, unchanged base first): chr3-3148011-G-GT. GRCh37 (hg19) VCF-style: chr3-3189695-G-GT.
Other names: c.1103dup, p.Ser369fs (NM_001302946.2); c.1163dup, p.Ser389fs (NM_001367321.1, NM_001367322.1, NM_001367323.1); short protein forms S389fs, S369fs.
Identifiers: ClinVar variation 2104306 (VCV002104306.4), dbSNP rs2471357282, ClinGen allele CA2580069164.

ClinVar aggregate classification (germline): Pathogenic (1 of 4 stars; one submission).

Conditions:
Congenital sideroblastic anemia-B-cell immunodeficiency-periodic fever-developmental delay syndrome. Also called: Sideroblastic anemia with B-cell immunodeficiency, periodic fevers, and developmental delay. Identifiers: Orphanet 369861, MedGen C4015172, MONDO:0014487, OMIM 616084.

Submission:

Labcorp Genetics (formerly Invitae), Labcorp
Classification: Pathogenic for Congenital sideroblastic anemia-B-cell immunodeficiency-periodic fever-developmental delay syndrome. Last evaluated: 2023-12-06. Review status: criteria provided, single submitter. Criteria: Invitae Variant Classification Sherloc (09022015). Collection method: clinical testing. Allele origin: germline.
Comment: This sequence change creates a premature translational stop signal (p.Ser389Lysfs*4) in the TRNT1 gene. While this is not anticipated to result in nonsense mediated decay, it is expected to disrupt the last 46 amino acid(s) of the TRNT1 protein. This variant is not present in population databases (gnomAD no frequency). This variant has not been reported in the literature in individuals affected with TRNT1-related conditions. ClinVar contains an entry for this variant (Variation ID: 2104306). This variant disrupts a region of the TRNT1 protein in which other variant(s) (p.Ser418Lysfs*9) have been determined to be pathogenic (PMID: 25193871, 26494905, 29358286; Invitae). This suggests that this is a clinically significant region of the protein, and that variants that disrupt it are likely to be disease-causing. For these reasons, this variant has been classified as Pathogenic.

Literature cited by the submitters: PubMed 25193871; PubMed 26494905; PubMed 29358286.